The following is an entry in ClinVar:

NM_004380.3(CREBBP):c.3498C>G (p.Leu1166=)

Gene: CREBBP (CREB binding lysine acetyltransferase; minus strand). Cytogenetic location: 16p13.3.
Variant type: single nucleotide variant.
Coding change: c.3498C>G on transcript NM_004380.3 (MANE Select); coding-DNA position 3498, C replaced by G.
Protein change: p.Leu1166=; no amino-acid change (leucine 1166 retained).
Molecular consequence: synonymous variant.
Genome position (GRCh38, 1-based): chr16:3,757,920, G>C on the plus strand (C>G on the coding strand, the complement: CREBBP is on the minus strand). VCF-style: chr16-3757920-G-C. GRCh37 (hg19) VCF-style: chr16-3807921-G-C.
Other names: c.3384C>G, p.Leu1128= (NM_001079846.1).
Identifiers: ClinVar variation 3031835 (VCV003031835.4), dbSNP rs765983904, ClinGen allele CA7869803.

ClinVar aggregate classification (germline): Benign. Review status: criteria provided, single submitter (1 of 4 stars). 2 submissions from 2 submitters: Benign (1). 1 of the submissions does not count toward it. Last evaluated 2025-12-13.

Conditions:
CREBBP-related disorder. Also called: CREBBP-related condition; CREBBP-related disorders.
Rubinstein-Taybi syndrome (RSTS). Identifiers: Orphanet 783, MedGen C0035934, MONDO:0019188.

Allele frequency attached by ClinVar (database versions not stated): gnomAD exomes below 0.00001; TOPMed below 0.00001; ExAC 0.00001; gnomAD 0.00001.
gnomAD v4.1: 5 of 1,613,930 alleles (0.00031%); highest among the groups gnomAD compares: Admixed American, 0.0067%; no homozygotes.

Submissions (2):

Labcorp Genetics (formerly Invitae), Labcorp
Classification: Benign for Rubinstein-Taybi syndrome. Last evaluated: 2025-12-13. Review status: criteria provided, single submitter. Criteria: Invitae Variant Classification Sherloc (09022015). Collection method: clinical testing. Allele origin: germline.

PreventionGenetics, part of Exact Sciences
Classification: Likely benign for CREBBP-related condition. Last evaluated: 2023-03-17. Review status: no assertion criteria provided. Collection method: clinical testing. Allele origin: germline. Not counted in ClinVar's aggregate classification.
Comment: This variant is classified as likely benign based on ACMG/AMP sequence variant interpretation guidelines (Richards et al. 2015 PMID: 25741868, with internal and published modifications).